The following is an entry in ClinVar:

ClinVar aggregate classification (germline): Pathogenic (0 of 4 stars; one submission).

Conditions:
Fanconi anemia complementation group A (FANCA). Also called: Fanconi anemia, group A; FANCA-Related Fanconi Anemia. Identifiers: Orphanet 84, MedGen C3469521, MONDO:0009215, OMIM 227650.

Allele frequency attached by ClinVar (database versions not stated): gnomAD exomes below 0.00001.

Submission:

Leiden Open Variation Database
Classification: Pathogenic for Fanconi anemia complementation group A. Last evaluated: 2020-02-28. Review status: no assertion criteria provided. Collection method: curation. Allele origin: germline. Affected: yes.
Comment: Curator: Arleen D. Auerbach. Submitter to LOVD: Arleen D. Auerbach.

Literature cited by the submitters: PubMed 15523645.

NM_000135.4(FANCA):c.4015_4017del (p.Leu1339del)

Genes: FANCA (FA complementation group A; minus strand), ZNF276 (zinc finger protein 276; plus strand). Cytogenetic location: 16q24.3.
Variant type: Deletion.
Coding change: c.4015_4017del on transcript NM_000135.4 (MANE Select); coding-DNA positions 4015 to 4017, 3 bases deleted (CTC; older notation c.4015_4017delCTC).
Protein change: p.Leu1339del; deletes leucine 1339.
Molecular consequence: inframe deletion. On other transcripts: inframe indel (1), 3 prime UTR variant (2), non-coding transcript variant (4).
Genome position (GRCh38, 1-based): chr16:89,739,283-89,739,285, GAG deleted on the plus strand (CTC on the coding strand, the reverse complement: FANCA is on the minus strand). VCF-style (leftmost placement, unchanged base first): chr16-89739282-AGAG-A. GRCh37 (hg19) VCF-style: chr16-89805690-AGAG-A.
Other names: c.4015_4017delCTC, p.Leu1339del (NM_000135.2); c.4015_4017del, p.Leu1339del (NM_001286167.3); c.*1037_*1039del (NM_001113525.2, NM_152287.4); short protein forms L1339del.
Identifiers: ClinVar variation 974065 (VCV000974065.1), dbSNP rs2062060149, ClinGen allele CA1139664946.